The following is an entry in ClinVar:

NM_000540.3(RYR1):c.7870C>T (p.Arg2624Cys)

Gene: RYR1 (ryanodine receptor 1; plus strand). Cytogenetic location: 19q13.2.
Variant type: single nucleotide variant.
Coding change: c.7870C>T on transcript NM_000540.3 (MANE Select); coding-DNA position 7870, C replaced by T.
Protein change: p.Arg2624Cys; replaces arginine 2624 with cysteine.
Molecular consequence: missense variant.
Genome position (GRCh38, 1-based): chr19:38,502,914, C>T. VCF-style: chr19-38502914-C-T. GRCh37 (hg19) VCF-style: chr19-38993554-C-T.
Other names: c.7870C>T, p.Arg2624Cys (NM_001042723.2); short protein forms R2624C.
Identifiers: ClinVar variation 3070491 (VCV003070491.2), dbSNP rs765211900, ClinGen allele CA082728.
Genomic context (GRCh38, chr19:38,502,914, plus strand): 5'-TCTACATCTTGTGCATTGTCCCGCAGGTACATCCGCCCGTCGATGCTGCAGCACCTGTTG[C>T]GCCGCCTGGTGTTCGACGTGCCCATCCTCAACGAGTTCGCCAAGATGCCACTCAAGGTGA-3'
Protein context (NP_000531.2, residues 2614-2634): IRPSMLQHLL[Arg2624Cys]RLVFDVPILN

ClinVar aggregate classification (germline): Uncertain significance. Review status: criteria provided, multiple submitters, no conflicts (2 of 4 stars). 2 submissions from 2 submitters: Uncertain significance (2). Last evaluated 2025-10-02.

Conditions:
Malignant hyperthermia, susceptibility to, 1 (MHS1). Also called: RYR1-Related Malignant Hyperthermia Susceptibility; Anesthesia related hyperthermia; Malignant hyperpyrexia; Fulminating hyperpyrexia; Pharmacogenic myopathy; Malignant hyperthermia suceptibility 1. Identifiers: Orphanet 423, MedGen C2930980, MONDO:0007783, OMIM 145600.

Allele frequency attached by ClinVar (database versions not stated): gnomAD 0.00001; ExAC 0.00002.
gnomAD v4.1: 10 of 1,611,700 alleles (0.00062%); highest among the groups gnomAD compares: South Asian, 0.0033%; no homozygotes.

Submissions (2):

Color Diagnostics, LLC DBA Color Health
Classification: Uncertain significance for Malignant hyperthermia, susceptibility to, 1. Last evaluated: 2025-10-02. Review status: criteria provided, single submitter. Criteria: ACMG Guidelines, 2015. Collection method: clinical testing. Allele origin: germline.
Comment: This missense variant replaces arginine with cysteine at codon 2624 of the RYR1 protein. Computational prediction suggests that this variant may have deleterious impact on protein structure and function. To our knowledge, functional studies have not been reported for this variant. This variant has not been reported in individuals affected with RYR1-related disorders in the literature. This variant has been identified in 10/1611700 chromosomes in the general population by the Genome Aggregation Database (gnomAD). The available evidence is insufficient to determine the role of this variant in disease conclusively. Therefore, this variant is classified as a Variant of Uncertain Significance.

All of Us Research Program, National Institutes of Health
Classification: Uncertain significance for Malignant hyperthermia, susceptibility to, 1. Last evaluated: 2023-04-27. Review status: criteria provided, single submitter. Criteria: ACMG Guidelines, 2015. Collection method: clinical testing. Allele origin: germline. Inheritance: Autosomal dominant inheritance. Observed: 1 variant allele, 1 heterozygote.
Comment: This study involves interpretation of variants in research participants for the purpose of population health screening. Participant phenotype was not available at the time of variant classification. Additional details can be found in publication PMID: 35346344, PMCID: PMC8962531